The following is an entry in ClinVar:

ClinVar aggregate classification (germline): Likely benign. Review status: criteria provided, multiple submitters, no conflicts (2 of 4 stars). 4 submissions from 4 submitters: Likely benign (3). 1 of the submissions does not count toward it. Last evaluated 2026-02-02.

Conditions:
Early-infantile DEE. Also called: Ohtahara syndrome; Early infantile epileptic encephalopathy with suppression bursts; Early infantile epileptic encephalopathy. Identifiers: Orphanet 1934, MedGen C0393706, MONDO:0800491.
SPTAN1-related disorder. Also called: SPTAN1-related disorders; SPTAN1-related condition.

Allele frequency attached by ClinVar (database versions not stated): gnomAD 0.00001; gnomAD exomes 0.00001 and 0.00002; TOPMed 0.00001; ExAC 0.00002; 1000 Genomes Project 30x 0.00016; 1000 Genomes Project 0.00020.
gnomAD v4.1: 26 of 1,614,146 alleles (0.0016%); highest among the groups gnomAD compares: Middle Eastern, 0.033%; no homozygotes.

Submissions (4):

Labcorp Genetics (formerly Invitae), Labcorp
Classification: Likely benign for Early-infantile DEE. Last evaluated: 2026-02-02. Review status: criteria provided, single submitter. Criteria: Invitae Variant Classification Sherloc (09022015). Collection method: clinical testing. Allele origin: germline.

Blueprint Genetics
Classification: Likely benign. Last evaluated: 2023-01-05. Review status: criteria provided, single submitter. Criteria: ACMG Guidelines, 2015. Collection method: clinical testing. Allele origin: germline.

Breakthrough Genomics
Classification: Likely benign. Review status: criteria provided, single submitter. Criteria: ACMG Guidelines, 2015. Collection method: not provided. Allele origin: germline. Inheritance: Autosomal dominant inheritance. Affected: yes.

PreventionGenetics, part of Exact Sciences
Classification: Likely benign for SPTAN1-related condition. Last evaluated: 2021-04-06. Review status: no assertion criteria provided. Collection method: clinical testing. Allele origin: germline. Not counted in ClinVar's aggregate classification.
Comment: This variant is classified as likely benign based on ACMG/AMP sequence variant interpretation guidelines (Richards et al. 2015 PMID: 25741868, with internal and published modifications).

NM_001130438.3(SPTAN1):c.4821C>T (p.Asn1607=)

Gene: SPTAN1 (spectrin alpha, non-erythrocytic 1; plus strand). Cytogenetic location: 9q34.11.
Variant type: single nucleotide variant.
Coding change: c.4821C>T on transcript NM_001130438.3 (MANE Select); coding-DNA position 4821, C replaced by T.
Protein change: p.Asn1607=; no amino-acid change (asparagine 1607 retained).
Molecular consequence: synonymous variant.
Genome position (GRCh38, 1-based): chr9:128,611,761, C>T. VCF-style: chr9-128611761-C-T. GRCh37 (hg19) VCF-style: chr9-131374040-C-T.
Other names: c.4746C>T, p.Asn1582= (NM_001195532.2); c.4821C>T, p.Asn1607= (NM_001363759.2); c.4761C>T, p.Asn1587= (NM_001363765.2); c.4806C>T, p.Asn1602= (NM_003127.4).
Identifiers: ClinVar variation 530556 (VCV000530556.17), dbSNP rs539062498, ClinGen allele CA5265308.
Genomic context (GRCh38, chr9:128,611,761, plus strand): 5'-TTGGTATTTTTAGAGCAAGCACCAGAAGCACCAGGCTTTTGAAGCAGAGCTGCATGCCAA[C>T]GCTGACCGGATCCGTGGGGTTATCGACATGGGCAACTCCCTCATTGAACGTGGAGCCTGT-3'
Protein context (NP_001123910.1, residues 1597-1617): HQAFEAELHA[Asn1607=]ADRIRGVIDM